The following is an entry in ClinVar:

ClinVar aggregate classification (germline): Uncertain significance (1 of 4 stars; one submission).

Conditions:
Inborn genetic diseases. Identifiers: MedGen C0950123, MeSH D030342.

Submission:

Ambry Genetics
Classification: Uncertain significance for Inborn genetic diseases. Last evaluated: 2025-11-30. Review status: criteria provided, single submitter. Criteria: Ambry Variant Classification Scheme 2023. Collection method: clinical testing. Allele origin: germline.
Comment: The p.L1102Q variant (also known as c.3305T>A), located in coding exon 31 of the RTEL1 gene, results from a T to A substitution at nucleotide position 3305. The leucine at codon 1102 is replaced by glutamine, an amino acid with dissimilar properties. This amino acid position is conserved. In addition, the in silico prediction for this alteration is inconclusive. Based on the available evidence, the clinical significance of this variant remains unclear.

NM_001283009.2(RTEL1):c.3305T>A (p.Leu1102Gln)

Genes: RTEL1 (regulator of telomere elongation helicase 1; plus strand), RTEL1-TNFRSF6B (RTEL1-TNFRSF6B readthrough (NMD candidate); plus strand). Cytogenetic location: 20q13.33.
Variant type: single nucleotide variant.
Coding change: c.3305T>A on transcript NM_001283009.2 (MANE Select); coding-DNA position 3305, T replaced by A.
Protein change: p.Leu1102Gln; replaces leucine 1102 with glutamine.
Molecular consequence: missense variant. On other transcripts: non-coding transcript variant (1).
Genome position (GRCh38, 1-based): chr20:63,694,936, T>A. VCF-style: chr20-63694936-T-A. GRCh37 (hg19) VCF-style: chr20-62326289-T-A.
Other names: c.2636T>A, p.Leu879Gln (NM_001283010.1); c.3305T>A, p.Leu1102Gln (NM_016434.4); c.3377T>A, p.Leu1126Gln (NM_032957.5); short protein forms L1102Q, L879Q, L1126Q.
Identifiers: ClinVar variation 4629633 (VCV004629633.1).